The following is an entry in ClinVar:

ClinVar aggregate classification (germline): Uncertain significance. Review status: criteria provided, single submitter (1 of 4 stars). 2 submissions from 2 submitters: Uncertain significance (1). 1 of the submissions does not count toward it. Last evaluated 2021-11-12.

Conditions:
Dyskeratosis congenita, autosomal recessive 5 (DKCB5). Identifiers: MedGen C3554656, MONDO:0014076, OMIM 615190.
Pulmonary fibrosis and/or bone marrow failure, Telomere-related, 3. Also called: PULMONARY FIBROSIS AND/OR BONE MARROW FAILURE SYNDROME, TELOMERE-RELATED, 3. Identifiers: Orphanet 2032, MedGen C4225346, MONDO:0014613, OMIM 616373.
Dyskeratosis congenita. Identifiers: Orphanet 1775, MedGen C0265965, MONDO:0015780.

Submissions (2):

Labcorp Genetics (formerly Invitae), Labcorp
Classification: Uncertain significance for Dyskeratosis congenita, autosomal recessive 5; Pulmonary fibrosis and/or bone marrow failure, Telomere-related, 3. Last evaluated: 2021-11-12. Review status: criteria provided, single submitter. Criteria: Invitae Variant Classification Sherloc (09022015). Collection method: clinical testing. Allele origin: germline.
Comment: This sequence change replaces methionine, which is neutral and non-polar, with leucine, which is neutral and non-polar, at codon 652 of the RTEL1 protein (p.Met652Leu). This variant is not present in population databases (gnomAD no frequency). This variant has not been reported in the literature in individuals affected with RTEL1-related conditions. Algorithms developed to predict the effect of missense changes on protein structure and function (SIFT, PolyPhen-2, Align-GVGD) all suggest that this variant is likely to be tolerated. In summary, the available evidence is currently insufficient to determine the role of this variant in disease. Therefore, it has been classified as a Variant of Uncertain Significance.

Natera, Inc.
Classification: Uncertain significance for Dyskeratosis congenita. Last evaluated: 2025-04-05. Review status: no assertion criteria provided. Collection method: clinical testing. Allele origin: germline. Not counted in ClinVar's aggregate classification.

NM_001283009.2(RTEL1):c.1954A>C (p.Met652Leu)

Genes: RTEL1 (regulator of telomere elongation helicase 1; plus strand), RTEL1-TNFRSF6B (RTEL1-TNFRSF6B readthrough (NMD candidate); plus strand). Cytogenetic location: 20q13.33.
Variant type: single nucleotide variant.
Coding change: c.1954A>C on transcript NM_001283009.2 (MANE Select); coding-DNA position 1954, A replaced by C.
Protein change: p.Met652Leu; replaces methionine 652 with leucine.
Molecular consequence: missense variant. On other transcripts: non-coding transcript variant (1).
Genome position (GRCh38, 1-based): chr20:63,689,577, A>C. VCF-style: chr20-63689577-A-C. GRCh37 (hg19) VCF-style: chr20-62320930-A-C.
Other names: c.2026A>C (NM_032957.4); c.1285A>C, p.Met429Leu (NM_001283010.1); c.1954A>C, p.Met652Leu (NM_016434.4); c.2026A>C, p.Met676Leu (NM_032957.5); short protein forms M652L, M429L, M676L.
Identifiers: ClinVar variation 1404064 (VCV001404064.4), dbSNP rs766133842, ClinGen allele CA409678811.